The following is an entry in ClinVar:

NM_001355436.2(SPTB):c.2339C>A (p.Ala780Asp)

Gene: SPTB (spectrin beta, erythrocytic; minus strand). Cytogenetic location: 14q23.3.
Variant type: single nucleotide variant.
Coding change: c.2339C>A on transcript NM_001355436.2 (MANE Select); coding-DNA position 2339, C replaced by A.
Protein change: p.Ala780Asp; replaces alanine 780 with aspartic acid.
Molecular consequence: missense variant.
Genome position (GRCh38, 1-based): chr14:64,793,324, G>T on the plus strand (C>A on the coding strand, the complement: SPTB is on the minus strand). VCF-style: chr14-64793324-G-T. GRCh37 (hg19) VCF-style: chr14-65260042-G-T.
Other names: c.2339C>A, p.Ala780Asp (NM_001024858.4, NM_001355437.2); short protein forms A780D.
Identifiers: ClinVar variation 4991762 (VCV004991762.1).
Genomic context (GRCh38, chr14:64,793,324, plus strand): 5'-TCCATCACCCCACGGCTCTCCTCCAGCTCCTCCAGGAAGTCCTTGTGCTTTTTCCCCAGG[G>T]CCCGCGTGGCCCCTTCGTCCTGCCCCACATCTTCACCAGAGAGCAGCCGGTGGGCGTCTT-3'
Protein context (NP_001342365.1, residues 770-790): DVGQDEGATR[Ala780Asp]LGKKHKDFLE

ClinVar aggregate classification (germline): Uncertain significance (1 of 4 stars; one submission).

Conditions:
SPTB-related disorder. Also called: SPTB-Related Disorders; SPTB-related condition.

gnomAD v4.1: 1 of 1,608,892 alleles (0.000062%); highest among the groups gnomAD compares: Non-Finnish European, 0.000085%; no homozygotes.

Submission:

PreventionGenetics, part of Exact Sciences
Classification: Uncertain significance for SPTB-related condition. Last evaluated: 2026-07-25. Review status: criteria provided, single submitter. Criteria: ACMG Guidelines, 2015. Collection method: clinical testing. Allele origin: germline.
Comment: The SPTB c.2339C>A variant is predicted to result in the amino acid substitution p.Ala780Asp. To our knowledge, this variant has not been reported in the literature or in a large population database (gnomAD), indicating this variant is rare. At this time, the clinical significance of this variant is uncertain due to the absence of conclusive functional and genetic evidence.